The following is an entry in ClinVar:

ClinVar aggregate classification (germline): Likely benign (1 of 4 stars; one submission).

gnomAD v4.1: 7,968 of 1,587,840 alleles (0.5%); highest among the groups gnomAD compares: South Asian, 0.66%; 133 homozygotes.

Submission:

CeGaT Center for Human Genetics Tuebingen
Classification: Likely benign. Last evaluated: 2026-04-01. Review status: criteria provided, single submitter. Criteria: CeGaT Center For Human Genetics Tuebingen Variant Classification Criteria Version 2. Collection method: clinical testing. Allele origin: germline. Affected: yes. Observed: 7 variant alleles.
Comment: GOLGA8S: BS2

NM_001395373.1(GOLGA8S):c.1493T>C (p.Ile498Thr)

Gene: GOLGA8S (golgin A8 family member S; plus strand). Cytogenetic location: 15q11.2.
Variant type: single nucleotide variant.
Coding change: c.1493T>C on transcript NM_001395373.1 (MANE Select); coding-DNA position 1493, T replaced by C.
Protein change: p.Ile498Thr; replaces isoleucine 498 with threonine.
Molecular consequence: missense variant.
Genome position (GRCh38, 1-based): chr15:23,364,531, T>C. VCF-style: chr15-23364531-T-C. GRCh37 (hg19) VCF-style: chr15-23609678-T-C.
Other names: c.815T>C, p.Ile272Thr (NM_001355465.2); short protein forms I272T, I498T.
Identifiers: ClinVar variation 3770700 (VCV003770700.13).